The following is an entry in ClinVar:

ClinVar aggregate classification (germline): Conflicting classifications of pathogenicity. Review status: criteria provided, conflicting classifications (1 of 4 stars). 2 submissions from 2 submitters: Uncertain significance (1); Likely benign (1). Last evaluated 2026-04-08.

Conditions:
Hereditary cancer-predisposing syndrome. Also called: Tumor predisposition; Neoplastic Syndromes, Hereditary; Hereditary Cancer Syndrome; Hereditary neoplastic syndrome. Identifiers: Orphanet 140162, MedGen C0027672, MeSH D009386, MONDO:0015356.
Ataxia-telangiectasia syndrome (AT). Also called: Ataxia-telangiectasia; LOUIS-BAR SYNDROME; Ataxia-telangiectasia, complementation group D; AT, COMPLEMENTATION GROUP C; ATAXIA-TELANGIECTASIA, COMPLEMENTATION GROUP A; ATAXIA-TELANGIECTASIA, FRESNO VARIANT. Identifiers: Orphanet 100, MedGen C0004135, MONDO:0008840, OMIM 208900.

Allele frequency attached by ClinVar (database versions not stated): gnomAD exomes below 0.00001.
gnomAD v4.1: 1 of 1,604,918 alleles (0.000062%); highest among the groups gnomAD compares: Non-Finnish European, 0.000085%; no homozygotes.

Submissions (2):

Ambry Genetics
Classification: Likely benign for Hereditary cancer-predisposing syndrome. Last evaluated: 2026-04-08. Review status: criteria provided, single submitter. Criteria: Ambry Variant Classification Scheme 2023. Collection method: clinical testing. Allele origin: germline.

Labcorp Genetics (formerly Invitae), Labcorp
Classification: Uncertain significance for Ataxia-telangiectasia syndrome. Last evaluated: 2025-11-02. Review status: criteria provided, single submitter. Criteria: Invitae Variant Classification Sherloc (09022015). Collection method: clinical testing. Allele origin: germline.
Comment: This sequence change replaces threonine, which is neutral and polar, with isoleucine, which is neutral and non-polar, at codon 2264 of the ATM protein (p.Thr2264Ile). This variant is present in population databases (no rsID available, gnomAD 0.0009%). This variant has not been reported in the literature in individuals affected with ATM-related conditions. ClinVar contains an entry for this variant (Variation ID: 1447676). Invitae Evidence Modeling of protein sequence and biophysical properties (such as structural, functional, and spatial information, amino acid conservation, physicochemical variation, residue mobility, and thermodynamic stability) indicates that this missense variant is not expected to disrupt ATM protein function with a negative predictive value of 95%. In summary, the available evidence is currently insufficient to determine the role of this variant in disease. Therefore, it has been classified as a Variant of Uncertain Significance.

NM_000051.4(ATM):c.6791C>T (p.Thr2264Ile)

Genes: ATM (ATM serine/threonine kinase; plus strand), C11orf65 (chromosome 11 open reading frame 65; minus strand). Cytogenetic location: 11q22.3.
Variant type: single nucleotide variant.
Coding change: c.6791C>T on transcript NM_000051.4 (MANE Select); coding-DNA position 6791, C replaced by T.
Protein change: p.Thr2264Ile; replaces threonine 2264 with isoleucine.
Molecular consequence: missense variant. On other transcripts: intron variant (2).
Genome position (GRCh38, 1-based): chr11:108,325,528, C>T. VCF-style: chr11-108325528-C-T. GRCh37 (hg19) VCF-style: chr11-108196255-C-T.
Other names: c.6791C>T, p.Thr2264Ile (NM_001351834.2); c.641-16457G>A (NM_001330368.2); c.*38+9692G>A (NM_001351110.2); short protein forms T2264I.
Identifiers: ClinVar variation 1447676 (VCV001447676.6), dbSNP rs1468747245, ClinGen allele CA382555523.